The following is an entry in ClinVar:

NM_016151.4(TAOK2):c.95G>A (p.Arg32Gln)

Gene: TAOK2 (TAO kinase 2; plus strand). Cytogenetic location: 16p11.2.
Variant type: single nucleotide variant.
Coding change: c.95G>A on transcript NM_016151.4 (MANE Select); coding-DNA position 95, G replaced by A.
Protein change: p.Arg32Gln; replaces arginine 32 with glutamine.
Molecular consequence: missense variant.
Genome position (GRCh38, 1-based): chr16:29,977,867, G>A. VCF-style: chr16-29977867-G-A. GRCh37 (hg19) VCF-style: chr16-29989188-G-A.
Other names: c.95G>A, p.Arg32Gln (NM_001252043.2, NM_004783.4); short protein forms R32Q.
Identifiers: ClinVar variation 4777073 (VCV004777073.1).

ClinVar aggregate classification (germline): Uncertain significance (1 of 4 stars; one submission).

gnomAD v4.1: 4 of 1,614,158 alleles (0.00025%); highest among the groups gnomAD compares: Admixed American, 0.0017%; no homozygotes.

Submission:

Labcorp Genetics (formerly Invitae), Labcorp
Classification: Uncertain significance. Last evaluated: 2025-02-13. Review status: criteria provided, single submitter. Criteria: Invitae Variant Classification Sherloc (09022015). Collection method: clinical testing. Allele origin: germline.
Comment: This sequence change replaces arginine, which is basic and polar, with glutamine, which is neutral and polar, at codon 32 of the TAOK2 protein (p.Arg32Gln). The frequency data for this variant in the population databases is considered unreliable, as metrics indicate poor data quality at this position in the gnomAD database. This variant has not been reported in the literature in individuals affected with TAOK2-related conditions. An algorithm developed to predict the effect of missense changes on protein structure and function (PolyPhen-2) suggests that this variant is likely to be tolerated. In summary, the available evidence is currently insufficient to determine the role of this variant in disease. Therefore, it has been classified as a Variant of Uncertain Significance.